The following is an entry in ClinVar:

NM_001082538.3(TCTN1):c.1213_1216del (p.Asn405fs)

Gene: TCTN1 (tectonic family member 1; plus strand). Cytogenetic location: 12q24.11.
Variant type: Deletion.
Coding change: c.1213_1216del on transcript NM_001082538.3 (MANE Select); coding-DNA positions 1213 to 1216, 4 bases deleted (AATA; older notation c.1213_1216delAATA).
Protein change: p.Asn405fs; shifts the reading frame from asparagine 405.
Molecular consequence: frameshift variant. On other transcripts: intron variant (2).
Genome position (GRCh38, 1-based): chr12:110,642,271-110,642,274, AATA deleted; deleting any 4 consecutive bases within chr12:110,642,270-110,642,274 gives the same sequence; the c. name uses the placement nearest the transcript's 3' end. VCF-style (leftmost placement, unchanged base first): chr12-110642269-CAAAT-C. GRCh37 (hg19) VCF-style: chr12-111080074-CAAAT-C.
Other names: c.1213_1216del, p.Asn405fs (NM_001082537.3); c.1045_1048del, p.Asn349fs (NM_001173975.3); c.679_682del, p.Asn227fs (NM_001319681.2); c.1171_1174del, p.Asn391fs (NM_024549.6); c.1010+644_1010+647del (NM_001173976.2); c.1190+644_1190+647del (NM_001319680.2); short protein forms N349fs, N227fs, N391fs, N405fs.
Identifiers: ClinVar variation 3574252 (VCV003574252.2).

ClinVar aggregate classification (germline): Pathogenic/Likely pathogenic. Review status: criteria provided, multiple submitters, no conflicts (2 of 4 stars). 2 submissions from 2 submitters: Pathogenic (1); Likely pathogenic (1). Last evaluated 2025-11-05.

Conditions:
Joubert syndrome. Also called: CEREBELLOPARENCHYMAL DISORDER IV; JOUBERT-BOLTSHAUSER SYNDROME; Familial aplasia of the vermis. Identifiers: Orphanet 475, MedGen C5979921, MONDO:0018772.
Meckel-Gruber syndrome. Also called: DYSENCEPHALIA SPLANCHNOCYSTICA; GRUBER SYNDROME; Dysencephalia splachnocystica. Identifiers: Orphanet 564, MedGen C0265215, MONDO:0018921.
Joubert syndrome 13 (JBTS13). Identifiers: Orphanet 475, MedGen C3280031, MONDO:0013608, OMIM 614173.

Submissions (2):

Labcorp Genetics (formerly Invitae), Labcorp
Classification: Pathogenic for Joubert syndrome; Meckel-Gruber syndrome. Last evaluated: 2025-11-05. Review status: criteria provided, single submitter. Criteria: Invitae Variant Classification Sherloc (09022015). Collection method: clinical testing. Allele origin: germline.
Comment: This sequence change creates a premature translational stop signal (p.Asn405Aspfs*17) in the TCTN1 gene. It is expected to result in an absent or disrupted protein product. Loss-of-function variants in TCTN1 are known to be pathogenic (PMID: 21725307, 22693042, 27894351). This variant is not present in population databases (gnomAD no frequency). This variant has not been reported in the literature in individuals affected with TCTN1-related conditions. ClinVar contains an entry for this variant (Variation ID: 3574252). For these reasons, this variant has been classified as Pathogenic.

Fulgent Genetics
Classification: Likely pathogenic for Joubert syndrome 13. Last evaluated: 2024-06-24. Review status: criteria provided, single submitter. Criteria: ACMG Guidelines, 2015. Collection method: clinical testing. Allele origin: germline.

Literature cited by the submitters: PubMed 21725307 (cited by Labcorp Genetics (formerly Invitae), Labcorp); PubMed 22693042 (cited by Labcorp Genetics (formerly Invitae), Labcorp); PubMed 27894351 (cited by Labcorp Genetics (formerly Invitae), Labcorp).